The following is an entry in ClinVar:

ClinVar aggregate classification (germline): Uncertain significance (1 of 4 stars; one submission).

Conditions:
Glycine encephalopathy. Also called: Nonketotic hyperglycinemia; Non-ketotic hyperglycinemia. Identifiers: Orphanet 407, MedGen C0751748, MONDO:0011612, HP:0008288.

Allele frequency attached by ClinVar (database versions not stated): gnomAD exomes below 0.00001.
gnomAD v4.1: 1 of 1,613,806 alleles (0.000062%); highest among the groups gnomAD compares: Non-Finnish European, 0.000085%; no homozygotes.

Submission:

Labcorp Genetics (formerly Invitae), Labcorp
Classification: Uncertain significance for Glycine encephalopathy. Last evaluated: 2021-10-20. Review status: criteria provided, single submitter. Criteria: Invitae Variant Classification Sherloc (09022015). Collection method: clinical testing. Allele origin: germline.
Comment: Advanced modeling of protein sequence and biophysical properties (such as structural, functional, and spatial information, amino acid conservation, physicochemical variation, residue mobility, and thermodynamic stability) performed at Invitae indicates that this missense variant is expected to disrupt GLDC protein function. In summary, the available evidence is currently insufficient to determine the role of this variant in disease. Therefore, it has been classified as a Variant of Uncertain Significance. This variant has not been reported in the literature in individuals affected with GLDC-related conditions. This variant is not present in population databases (ExAC no frequency). This sequence change replaces glutamine with glutamic acid at codon 165 of the GLDC protein (p.Gln165Glu). The glutamine residue is highly conserved and there is a small physicochemical difference between glutamine and glutamic acid.

NM_000170.3(GLDC):c.493C>G (p.Gln165Glu)

Gene: GLDC (glycine decarboxylase; minus strand). Cytogenetic location: 9p24.1.
Variant type: single nucleotide variant.
Coding change: c.493C>G on transcript NM_000170.3 (MANE Select); coding-DNA position 493, C replaced by G.
Protein change: p.Gln165Glu; replaces glutamine 165 with glutamic acid.
Molecular consequence: missense variant.
Genome position (GRCh38, 1-based): chr9:6,610,334, G>C on the plus strand (C>G on the coding strand, the complement: GLDC is on the minus strand). VCF-style: chr9-6610334-G-C. GRCh37 (hg19) VCF-style: chr9-6610334-G-C.
Other names: short protein forms Q165E.
Identifiers: ClinVar variation 1383561 (VCV001383561.6), dbSNP rs2129916804, ClinGen allele CA372898612.